The following is an entry in ClinVar:

ClinVar aggregate classification (germline): Uncertain significance. Review status: criteria provided, multiple submitters, no conflicts (2 of 4 stars). 7 submissions from 7 submitters: Uncertain significance (6). 1 of the submissions does not count toward it. Last evaluated 2025-11-03.

Conditions:
Inborn genetic diseases. Identifiers: MedGen C0950123, MeSH D030342.
Glycogen storage disease type III (GSD3). Also called: Cori disease; FORBES DISEASE. Identifiers: Orphanet 366, MedGen C0017922, MONDO:0009291, OMIM 232400.

Allele frequency attached by ClinVar (database versions not stated): gnomAD 0.00003; ExAC 0.00004; gnomAD exomes 0.00004; TOPMed 0.00004.
gnomAD v4.1: 69 of 1,607,732 alleles (0.0043%); highest among the groups gnomAD compares: Middle Eastern, 0.033%; no homozygotes.

Submissions (7):

Ambry Genetics
Classification: Uncertain significance for Inborn genetic diseases. Last evaluated: 2025-11-03. Review status: criteria provided, single submitter. Criteria: Ambry Variant Classification Scheme 2023. Collection method: clinical testing. Allele origin: germline.

ARUP Laboratories, Molecular Genetics and Genomics, ARUP Laboratories
Classification: Uncertain significance. Last evaluated: 2025-05-30. Review status: criteria provided, single submitter. Criteria: ARUP Molecular Germline Variant Investigation Process 2024. Collection method: clinical testing. Allele origin: germline.
Comment: The AGL c.1042G>A; p.Val348Ile variant (rs544658310), to our knowledge, is not reported in the medical literature but is reported in ClinVar (Variation ID: 843349). This variant is only observed on nine alleles in the Genome Aggregation Database (v2.1.1), indicating it is not a common polymorphism. Computational analyses are uncertain whether this variant is neutral or deleterious (REVEL: 0.203). Due to limited information, the clinical significance of this variant is uncertain at this time.

Blueprint Genetics
Classification: Uncertain significance. Last evaluated: 2024-01-31. Review status: criteria provided, single submitter. Criteria: ACMG Guidelines, 2015. Collection method: clinical testing. Allele origin: germline.

Labcorp Genetics (formerly Invitae), Labcorp
Classification: Uncertain significance for Glycogen storage disease type III. Last evaluated: 2022-08-15. Review status: criteria provided, single submitter. Criteria: Invitae Variant Classification Sherloc (09022015). Collection method: clinical testing. Allele origin: germline.
Comment: This sequence change replaces valine, which is neutral and non-polar, with isoleucine, which is neutral and non-polar, at codon 348 of the AGL protein (p.Val348Ile). This variant is present in population databases (rs544658310, gnomAD 0.007%). This variant has not been reported in the literature in individuals affected with AGL-related conditions. ClinVar contains an entry for this variant (Variation ID: 843349). Algorithms developed to predict the effect of missense changes on protein structure and function output the following: SIFT: "Tolerated"; PolyPhen-2: "Benign"; Align-GVGD: "Class C0". The isoleucine amino acid residue is found in multiple mammalian species, which suggests that this missense change does not adversely affect protein function. In summary, the available evidence is currently insufficient to determine the role of this variant in disease. Therefore, it has been classified as a Variant of Uncertain Significance.

Genome-Nilou Lab
Classification: Uncertain significance for Glycogen storage disease type III. Last evaluated: 2021-07-15. Review status: criteria provided, single submitter. Criteria: ACMG Guidelines, 2015. Collection method: clinical testing. Allele origin: germline. Affected: no.

Mayo Clinic Laboratories, Mayo Clinic
Classification: Uncertain significance. Last evaluated: 2019-12-26. Review status: criteria provided, single submitter. Criteria: ACMG Guidelines, 2015. Collection method: clinical testing. Allele origin: germline. Observed: 1 variant allele.

Natera, Inc.
Classification: Uncertain significance for Glycogen storage disease type III. Last evaluated: 2020-03-10. Review status: no assertion criteria provided. Collection method: clinical testing. Allele origin: germline. Not counted in ClinVar's aggregate classification.

NM_000642.3(AGL):c.1042G>A (p.Val348Ile)

Gene: AGL (amylo-alpha-1,6-glucosidase and 4-alpha-glucanotransferase; plus strand). Cytogenetic location: 1p21.2.
Variant type: single nucleotide variant.
Coding change: c.1042G>A on transcript NM_000642.3 (MANE Select); coding-DNA position 1042, G replaced by A.
Protein change: p.Val348Ile; replaces valine 348 with isoleucine.
Molecular consequence: missense variant.
Genome position (GRCh38, 1-based): chr1:99,874,770, G>A. VCF-style: chr1-99874770-G-A. GRCh37 (hg19) VCF-style: chr1-100340326-G-A.
Other names: c.1042G>A, p.Val348Ile (NM_000028.3, NM_000643.3, NM_000644.3 and 3 more transcripts); c.994G>A, p.Val332Ile (NM_000646.3); c.838G>A, p.Val280Ile (NM_001425328.1, NM_001425329.1); c.664G>A, p.Val222Ile (NM_001425332.1); short protein forms V348I, V332I, V222I, V280I.
Identifiers: ClinVar variation 843349 (VCV000843349.14), dbSNP rs544658310, ClinGen allele CA966356.